The following is an entry in ClinVar:

NM_032496.4(ARHGAP9):c.917C>A (p.Ala306Asp)

Gene: ARHGAP9 (Rho GTPase activating protein 9; minus strand). Cytogenetic location: 12q13.3.
Variant type: single nucleotide variant.
Coding change: c.917C>A on transcript NM_032496.4 (MANE Select); coding-DNA position 917, C replaced by A.
Protein change: p.Ala306Asp; replaces alanine 306 with aspartic acid.
Molecular consequence: missense variant. On other transcripts: 5 prime UTR variant (1), intron variant (2).
Genome position (GRCh38, 1-based): chr12:57,476,917, G>T on the plus strand (C>A on the coding strand, the complement: ARHGAP9 is on the minus strand). VCF-style: chr12-57476917-G-T. GRCh37 (hg19) VCF-style: chr12-57870700-G-T.
Other names: c.365C>A, p.Ala122Asp (NM_001080156.3, NM_001319852.2, NM_001367422.1 and 2 more transcripts); c.917C>A, p.Ala306Asp (NM_001080157.2, NM_001319850.2); c.-293C>A (NM_001319851.2); c.318+239C>A (NM_001367425.1, NM_001367423.1); short protein forms A122D, A306D.
Identifiers: ClinVar variation 4848762 (VCV004848762.1).

ClinVar aggregate classification (germline): Uncertain significance (1 of 4 stars; one submission).

gnomAD v4.1: 13 of 1,613,920 alleles (0.00081%); highest among the groups gnomAD compares: African/African-American, 0.0053%; no homozygotes.

Submission:

Women's Health and Genetics/Laboratory Corporation of America, LabCorp
Classification: Uncertain significance. Last evaluated: 2026-04-08. Review status: criteria provided, single submitter. Criteria: LabCorp Variant Classification Summary - May 2015. Collection method: clinical testing. Allele origin: germline.
Comment: Variant summary: ARHGAP9 c.917C>A (p.Ala306Asp) results in a non-conservative amino acid change in the encoded protein sequence. Algorithms developed to predict the effect of missense changes on protein structure and function are either unavailable or do not agree on the potential impact of this missense change. The variant allele was found at a frequency of 1.2e-05 in 251304 control chromosomes. The available data on variant occurrences in the general population are insufficient to allow any conclusion about variant significance. To our knowledge, no occurrence of c.917C>A in individuals affected with ARHGAP9-related conditions and no experimental evidence demonstrating its impact on protein function have been reported. No submitters have cited clinical-significance assessments for this variant to ClinVar. Based on the evidence outlined above, the variant was classified as uncertain significance.